The following is an entry in ClinVar:

NM_001127222.2(CACNA1A):c.611A>G (p.Lys204Arg)

Gene: CACNA1A (calcium voltage-gated channel subunit alpha1 A; minus strand). Cytogenetic location: 19p13.13.
Variant type: single nucleotide variant.
Coding change: c.611A>G on transcript NM_001127222.2 (MANE Select); coding-DNA position 611, A replaced by G.
Protein change: p.Lys204Arg; replaces lysine 204 with arginine.
Molecular consequence: missense variant.
Genome position (GRCh38, 1-based): chr19:13,371,708, T>C on the plus strand (A>G on the coding strand, the complement: CACNA1A is on the minus strand). VCF-style: chr19-13371708-T-C. GRCh37 (hg19) VCF-style: chr19-13482522-T-C.
Other names: c.611A>G, p.Lys204Arg (NM_000068.4, NM_001127221.2, NM_001174080.2 and 1 more transcripts); c.611A>G (NM_001127221.1); short protein forms K204R.
Identifiers: ClinVar variation 1411002 (VCV001411002.10), dbSNP rs2144559219, ClinGen allele CA404350809.

ClinVar aggregate classification (germline): Uncertain significance. Review status: criteria provided, multiple submitters, no conflicts (2 of 4 stars). 2 submissions from 2 submitters: Uncertain significance (2). Last evaluated 2022-07-29.

Conditions:
Episodic ataxia type 2 (EA2). Also called: ATAXIA, EPISODIC, WITH NYSTAGMUS; ATAXIA, FAMILIAL PAROXYSMAL; CEREBELLAR ATAXIA, PAROXYSMAL, ACETAZOLAMIDE-RESPONSIVE; CEREBELLOPATHY, HEREDITARY PAROXYSMAL; EPISODIC ATAXIA, NYSTAGMUS-ASSOCIATED; ACETAZOLAMIDE-RESPONSIVE HEREDITARY PAROXYSMAL CEREBELLAR ATAXIA. Identifiers: Orphanet 97, MedGen C1720416, MONDO:0007163, OMIM 108500.
Developmental and epileptic encephalopathy, 42 (DEE42A). Also called: Epileptic encephalopathy, early infantile, 42; DEVELOPMENTAL AND EPILEPTIC ENCEPHALOPATHY 42A; EPILEPTIC ENCEPHALOPATHY, EARLY INFANTILE, 42A. Identifiers: MedGen C4310716, MONDO:0014917, OMIM 617106.

Submissions (2):

GeneDx
Classification: Uncertain significance. Last evaluated: 2022-07-29. Review status: criteria provided, single submitter. Criteria: GeneDx Variant Classification Process June 2021. Collection method: clinical testing. Allele origin: germline. Affected: yes.
Comment: Not observed at significant frequency in large population cohorts (gnomAD); In silico analysis supports that this missense variant does not alter protein structure/function; In-silico analysis is inconclusive as to whether the variant alters gene splicing. In the absence of RNA/functional studies, the actual effect of this sequence change is unknown.; Has not been previously published as pathogenic or benign to our knowledge

Labcorp Genetics (formerly Invitae), Labcorp
Classification: Uncertain significance for Developmental and epileptic encephalopathy, 42; Episodic ataxia type 2. Last evaluated: 2021-10-19. Review status: criteria provided, single submitter. Criteria: Invitae Variant Classification Sherloc (09022015). Collection method: clinical testing. Allele origin: germline.
Comment: In summary, the available evidence is currently insufficient to determine the role of this variant in disease. Therefore, it has been classified as a Variant of Uncertain Significance. Algorithms developed to predict the effect of sequence changes on RNA splicing suggest that this variant may create or strengthen a splice site. Advanced modeling of protein sequence and biophysical properties (such as structural, functional, and spatial information, amino acid conservation, physicochemical variation, residue mobility, and thermodynamic stability) performed at Invitae indicates that this missense variant is not expected to disrupt CACNA1A protein function. This variant has not been reported in the literature in individuals affected with CACNA1A-related conditions. This variant is not present in population databases (ExAC no frequency). This sequence change replaces lysine with arginine at codon 204 of the CACNA1A protein (p.Lys204Arg). The lysine residue is highly conserved and there is a small physicochemical difference between lysine and arginine.